The following is an entry in ClinVar:

ClinVar aggregate classification (germline): Uncertain significance (1 of 4 stars; one submission).

Allele frequency attached by ClinVar (database versions not stated): gnomAD exomes below 0.00001; TOPMed below 0.00001; ExAC 0.00001.
gnomAD v4.1: 3 of 1,614,114 alleles (0.00019%); highest among the groups gnomAD compares: Non-Finnish European, 0.00025%; no homozygotes.

Submission:

Labcorp Genetics (formerly Invitae), Labcorp
Classification: Uncertain significance. Last evaluated: 2024-04-15. Review status: criteria provided, single submitter. Criteria: Invitae Variant Classification Sherloc (09022015). Collection method: clinical testing. Allele origin: germline.
Comment: This sequence change replaces alanine, which is neutral and non-polar, with threonine, which is neutral and polar, at codon 1804 of the CELSR2 protein (p.Ala1804Thr). This variant is not present in population databases (gnomAD no frequency). This variant has not been reported in the literature in individuals affected with CELSR2-related conditions. Advanced modeling of protein sequence and biophysical properties (such as structural, functional, and spatial information, amino acid conservation, physicochemical variation, residue mobility, and thermodynamic stability) performed at Invitae indicates that this missense variant is not expected to disrupt CELSR2 protein function with a negative predictive value of 80%. In summary, the available evidence is currently insufficient to determine the role of this variant in disease. Therefore, it has been classified as a Variant of Uncertain Significance.

NM_001408.3(CELSR2):c.5410G>A (p.Ala1804Thr)

Gene: CELSR2 (cadherin EGF LAG seven-pass G-type receptor 2; plus strand). Cytogenetic location: 1p13.3.
Variant type: single nucleotide variant.
Coding change: c.5410G>A on transcript NM_001408.3 (MANE Select); coding-DNA position 5410, G replaced by A.
Protein change: p.Ala1804Thr; replaces alanine 1804 with threonine.
Molecular consequence: missense variant.
Genome position (GRCh38, 1-based): chr1:109,264,574, G>A. VCF-style: chr1-109264574-G-A. GRCh37 (hg19) VCF-style: chr1-109807196-G-A.
Other names: short protein forms A1804T.
Identifiers: ClinVar variation 2719976 (VCV002719976.3), dbSNP rs770840359, ClinGen allele CA987541.